The following is an entry in ClinVar:

ClinVar aggregate classification (germline): Conflicting classifications of pathogenicity. Review status: criteria provided, conflicting classifications (1 of 4 stars). 2 submissions from 2 submitters: Likely pathogenic (1); Uncertain significance (1). Last evaluated 2024-04-11.

Conditions:
Autosomal recessive Alport syndrome (ATS2). Also called: COL4A3-Related Nephropathy; COL4A4 Alport Syndrome and Thin Basement Membrane Nephropathy; ALPORT SYNDROME 2, AUTOSOMAL RECESSIVE; Alport syndrome type 2. Identifiers: Orphanet 63, Orphanet 88919, MedGen C4746745, MONDO:0008762, OMIM 203780.
Hematuria, benign familial, 1 (BFH1). Also called: THIN MEMBRANE NEPHROPATHY. Identifiers: MedGen CN376803, MONDO:0007709, OMIM 141200.

Allele frequency attached by ClinVar (database versions not stated): gnomAD exomes below 0.00001; ExAC 0.00001.
gnomAD v4.1: 2 of 1,614,052 alleles (0.00012%); highest among the groups gnomAD compares: Non-Finnish European, 0.000085%; no homozygotes.

Submissions (2):

Fulgent Genetics
Classification: Likely pathogenic for Hematuria, benign familial, 1; Autosomal recessive Alport syndrome. Last evaluated: 2024-04-11. Review status: criteria provided, single submitter. Criteria: ACMG Guidelines, 2015. Collection method: clinical testing. Allele origin: germline.

Women's Health and Genetics/Laboratory Corporation of America, LabCorp
Classification: Uncertain significance. Last evaluated: 2024-04-10. Review status: criteria provided, single submitter. Criteria: LabCorp Variant Classification Summary - May 2015. Collection method: clinical testing. Allele origin: germline.
Comment: Variant summary: COL4A4 c.2599G>A (p.Gly867Arg) results in a non-conservative amino acid change in the encoded protein sequence. Five of five in-silico tools predict a damaging effect of the variant on protein function. The variant allele was found at a frequency of 4e-06 in 249448 control chromosomes. The available data on variant occurrences in the general population are insufficient to allow any conclusion about variant significance. To our knowledge, no occurrence of c.2599G>A in individuals affected with COL4A4-related conditions and no experimental evidence demonstrating its impact on protein function have been reported. No submitters have cited clinical-significance assessments for this variant to ClinVar. Based on the evidence outlined above, the variant was classified as uncertain significance.

NM_000092.5(COL4A4):c.2599G>A (p.Gly867Arg)

Gene: COL4A4 (collagen type IV alpha 4 chain; minus strand). Cytogenetic location: 2q36.3.
Variant type: single nucleotide variant.
Coding change: c.2599G>A on transcript NM_000092.5 (MANE Select); coding-DNA position 2599, G replaced by A.
Protein change: p.Gly867Arg; replaces glycine 867 with arginine.
Molecular consequence: missense variant.
Genome position (GRCh38, 1-based): chr2:227,056,062, C>T on the plus strand (G>A on the coding strand, the complement: COL4A4 is on the minus strand). VCF-style: chr2-227056062-C-T. GRCh37 (hg19) VCF-style: chr2-227920778-C-T.
Other names: short protein forms G867R.
Identifiers: ClinVar variation 3251377 (VCV003251377.2), dbSNP rs768902127.